The following is an entry in ClinVar:

ClinVar aggregate classification (germline): Pathogenic/Likely pathogenic. Review status: criteria provided, multiple submitters, no conflicts (2 of 4 stars). 4 submissions from 4 submitters: Pathogenic (3); Likely pathogenic (1). Last evaluated 2025-11-05.

Conditions:
Inborn genetic diseases. Identifiers: MedGen C0950123, MeSH D030342.
DDX41-related hematologic malignancy predisposition syndrome. Also called: DDX41-Associated Familial Myelodysplastic Syndrome and Acute Myeloid Leukemia; Myeloproliferative/lymphoproliferative neoplasms, familial (multiple types), susceptibility to. Identifiers: Orphanet 488647, MedGen C4225174, MONDO:0014809, OMIM 616871.

Submissions (4):

Labcorp Genetics (formerly Invitae), Labcorp
Classification: Pathogenic. Last evaluated: 2025-11-05. Review status: criteria provided, single submitter. Criteria: Invitae Variant Classification Sherloc (09022015). Collection method: clinical testing. Allele origin: germline.
Comment: This sequence change creates a premature translational stop signal (p.Glu268Aspfs*36) in the DDX41 gene. It is expected to result in an absent or disrupted protein product. Loss-of-function variants in DDX41 are known to be pathogenic (PMID: 26712909, 27133828). This variant is present in population databases (rs780979459, gnomAD 0.003%). This premature translational stop signal has been observed in individual(s) with acute myeloid leukemia (PMID: 35443031, 37450374). ClinVar contains an entry for this variant (Variation ID: 3368101). For these reasons, this variant has been classified as Pathogenic.

Saint-Louis Hospital, Assistance Publique Hôpitaux de Paris
Classification: Pathogenic for DDX41-related hematologic malignancy predisposition syndrome. Last evaluated: 2025-05-13. Review status: criteria provided, single submitter. Criteria: ACMG Guidelines, 2015. Collection method: clinical testing. Allele origin: germline. Affected: yes.
Comment: The variant DDX41(NM_016222.4):c.804del:p.(Glu268AspfsTer36) induces a frameshift and a premature stop codon. Loss-of-function variants in DDX41 are known to be pathogenic (PMID: 26712909, 27133828). Here, it is associated with a second (somatic) DDX41 mutation in bone marrow, which is a classical route of clonal evolution in DDX41-myeloid malignancies predisposition(Duployez et al, 2022, PMID: 35443031).

Ambry Genetics
Classification: Pathogenic for Inborn genetic diseases. Last evaluated: 2025-02-13. Review status: criteria provided, single submitter. Criteria: Ambry Variant Classification Scheme 2023. Collection method: clinical testing. Allele origin: germline.
Comment: The c.804delG pathogenic mutation, located in coding exon 9 of the DDX41 gene, results from a deletion of one nucleotide at nucleotide position 804, causing a translational frameshift with a predicted alternate stop codon (p.E268Dfs*36). This alteration is expected to result in loss of function by premature protein truncation or nonsense-mediated mRNA decay. As such, this alteration is interpreted as a disease-causing mutation.

GeneDx
Classification: Likely pathogenic. Last evaluated: 2024-01-21. Review status: criteria provided, single submitter. Criteria: GeneDx Variant Classification Process June 2021. Collection method: clinical testing. Allele origin: germline. Affected: yes.
Comment: Frameshift variant predicted to result in protein truncation or nonsense mediated decay in a gene for which loss of function is a known mechanism of disease; Observed in the presumed germline of individuals with acute myeloid leukemia in published literature (PMID: 35443031); Not observed at significant frequency in large population cohorts (gnomAD); This variant is associated with the following publications: (PMID: 36672294, 35443031)

Literature cited by the submitters: PubMed 26712909 (cited by Labcorp Genetics (formerly Invitae), Labcorp and Saint-Louis Hospital, Assistance Publique Hôpitaux de Paris); PubMed 27133828 (cited by Labcorp Genetics (formerly Invitae), Labcorp and Saint-Louis Hospital, Assistance Publique Hôpitaux de Paris); PubMed 35443031 (cited by Labcorp Genetics (formerly Invitae), Labcorp and Saint-Louis Hospital, Assistance Publique Hôpitaux de Paris); PubMed 37450374 (cited by Labcorp Genetics (formerly Invitae), Labcorp).

NM_016222.4(DDX41):c.804del (p.Glu268fs)

Gene: DDX41 (DEAD-box helicase 41; minus strand). Cytogenetic location: 5q35.3.
Variant type: Deletion.
Coding change: c.804del on transcript NM_016222.4 (MANE Select); coding-DNA position 804, one base deleted (G; older notation c.804delG).
Protein change: p.Glu268fs; shifts the reading frame from glutamic acid 268.
Molecular consequence: frameshift variant.
Genome position (GRCh38, 1-based): chr5:177,514,832, C deleted on the plus strand (G on the coding strand, the reverse complement: DDX41 is on the minus strand). VCF-style (leftmost placement, unchanged base first): chr5-177514831-GC-G. GRCh37 (hg19) VCF-style: chr5-176941832-GC-G.
Other names: c.804delG (NM_016222.2); c.426del, p.Glu142fs (NM_001321732.2, NM_001321830.2); short protein forms E142fs, E268fs.
Identifiers: ClinVar variation 3368101 (VCV003368101.4).
Genomic context (GRCh38, chr5:177,514,831, plus strand): 5'-AGCTGTCCTCCTGCAGCAGGCGGCAGTAGTACTCCAGGATGCCATGGGTCTGCCGGGCCA[GC>G]TCCCGCTGCAGGCAGAGGGACAAAGGCTGGCACCAGATGGCAGCCCCAATCTCTGGCCTG-3'